The following continues an entry in ClinVar:

NM_000186.4(CFH):c.3148A>T (p.Asn1050Tyr)

Gene: CFH. ClinVar aggregate classification (germline): Benign/Likely benign. Benign (3); Likely benign (13).

Submissions 28 to 63 of 84:

Dr. Peter K. Rogan Lab, Western University
No classification provided (evidence only). Condition: Clear cell carcinoma of kidney. Review status: no classification provided. Collection method: in vitro. Allele origin: not applicable. Functional consequence: retained intron. Not counted in ClinVar's aggregate classification.

Dr. Peter K. Rogan Lab, Western University
No classification provided (evidence only). Condition: Clear cell carcinoma of kidney. Review status: no classification provided. Collection method: in vitro. Allele origin: not applicable. Functional consequence: retained intron. Not counted in ClinVar's aggregate classification.

Dr. Peter K. Rogan Lab, Western University
No classification provided (evidence only). Condition: Clear cell carcinoma of kidney. Review status: no classification provided. Collection method: in vitro. Allele origin: not applicable. Functional consequence: retained intron. Not counted in ClinVar's aggregate classification.

Dr. Peter K. Rogan Lab, Western University
No classification provided (evidence only). Condition: Clear cell carcinoma of kidney. Review status: no classification provided. Collection method: in vitro. Allele origin: not applicable. Functional consequence: retained intron. Not counted in ClinVar's aggregate classification.

Dr. Peter K. Rogan Lab, Western University
No classification provided (evidence only). Condition: Clear cell carcinoma of kidney. Review status: no classification provided. Collection method: in vitro. Allele origin: not applicable. Functional consequence: cryptic splice site, retained intron. Not counted in ClinVar's aggregate classification.

Dr. Peter K. Rogan Lab, Western University
No classification provided (evidence only). Condition: Clear cell carcinoma of kidney. Review status: no classification provided. Collection method: in vitro. Allele origin: not applicable. Functional consequence: retained intron. Not counted in ClinVar's aggregate classification.

Dr. Peter K. Rogan Lab, Western University
No classification provided (evidence only). Condition: Clear cell carcinoma of kidney. Review status: no classification provided. Collection method: in vitro. Allele origin: not applicable. Functional consequence: retained intron. Not counted in ClinVar's aggregate classification.

Dr. Peter K. Rogan Lab, Western University
No classification provided (evidence only). Condition: Clear cell carcinoma of kidney. Review status: no classification provided. Collection method: in vitro. Allele origin: not applicable. Functional consequence: cryptic splice site, retained intron. Not counted in ClinVar's aggregate classification.

Dr. Peter K. Rogan Lab, Western University
No classification provided (evidence only). Condition: Lung cancer. Review status: no classification provided. Collection method: in vitro. Allele origin: not applicable. Functional consequence: retained intron. Not counted in ClinVar's aggregate classification.

Dr. Peter K. Rogan Lab, Western University
No classification provided (evidence only). Condition: Lung cancer. Review status: no classification provided. Collection method: in vitro. Allele origin: not applicable. Functional consequence: retained intron. Not counted in ClinVar's aggregate classification.

Dr. Peter K. Rogan Lab, Western University
No classification provided (evidence only). Condition: Lung cancer. Review status: no classification provided. Collection method: in vitro. Allele origin: not applicable. Functional consequence: retained intron. Not counted in ClinVar's aggregate classification.

Dr. Peter K. Rogan Lab, Western University
No classification provided (evidence only). Condition: Lung cancer. Review status: no classification provided. Collection method: in vitro. Allele origin: not applicable. Functional consequence: cryptic splice site, retained intron. Not counted in ClinVar's aggregate classification.

Dr. Peter K. Rogan Lab, Western University
No classification provided (evidence only). Condition: Lung cancer. Review status: no classification provided. Collection method: in vitro. Allele origin: not applicable. Functional consequence: retained intron. Not counted in ClinVar's aggregate classification.

Dr. Peter K. Rogan Lab, Western University
No classification provided (evidence only). Condition: Lung cancer. Review status: no classification provided. Collection method: in vitro. Allele origin: not applicable. Functional consequence: retained intron. Not counted in ClinVar's aggregate classification.

Dr. Peter K. Rogan Lab, Western University
No classification provided (evidence only). Condition: Lung cancer. Review status: no classification provided. Collection method: in vitro. Allele origin: not applicable. Functional consequence: retained intron. Not counted in ClinVar's aggregate classification.

Dr. Peter K. Rogan Lab, Western University
No classification provided (evidence only). Condition: Lung cancer. Review status: no classification provided. Collection method: in vitro. Allele origin: not applicable. Functional consequence: retained intron. Not counted in ClinVar's aggregate classification.

Dr. Peter K. Rogan Lab, Western University
No classification provided (evidence only). Condition: Lung cancer. Review status: no classification provided. Collection method: in vitro. Allele origin: not applicable. Functional consequence: retained intron. Not counted in ClinVar's aggregate classification.

Dr. Peter K. Rogan Lab, Western University
No classification provided (evidence only). Condition: Lung cancer. Review status: no classification provided. Collection method: in vitro. Allele origin: not applicable. Functional consequence: retained intron. Not counted in ClinVar's aggregate classification.

Dr. Peter K. Rogan Lab, Western University
No classification provided (evidence only). Condition: Melanoma. Review status: no classification provided. Collection method: in vitro. Allele origin: not applicable. Functional consequence: retained intron. Not counted in ClinVar's aggregate classification.

Dr. Peter K. Rogan Lab, Western University
No classification provided (evidence only). Condition: Melanoma. Review status: no classification provided. Collection method: in vitro. Allele origin: not applicable. Functional consequence: retained intron. Not counted in ClinVar's aggregate classification.

Dr. Peter K. Rogan Lab, Western University
No classification provided (evidence only). Condition: Melanoma. Review status: no classification provided. Collection method: in vitro. Allele origin: not applicable. Functional consequence: retained intron. Not counted in ClinVar's aggregate classification.

Dr. Peter K. Rogan Lab, Western University
No classification provided (evidence only). Condition: Melanoma. Review status: no classification provided. Collection method: in vitro. Allele origin: not applicable. Functional consequence: skipped exon, retained intron. Not counted in ClinVar's aggregate classification.

Dr. Peter K. Rogan Lab, Western University
No classification provided (evidence only). Condition: Melanoma. Review status: no classification provided. Collection method: in vitro. Allele origin: not applicable. Functional consequence: retained intron. Not counted in ClinVar's aggregate classification.

Dr. Peter K. Rogan Lab, Western University
No classification provided (evidence only). Condition: Acute myeloid leukemia. Review status: no classification provided. Collection method: in vitro. Allele origin: not applicable. Functional consequence: retained intron. Not counted in ClinVar's aggregate classification.

Dr. Peter K. Rogan Lab, Western University
No classification provided (evidence only). Condition: Colorectal cancer. Review status: no classification provided. Collection method: in vitro. Allele origin: not applicable. Functional consequence: retained intron. Not counted in ClinVar's aggregate classification.

Dr. Peter K. Rogan Lab, Western University
No classification provided (evidence only). Condition: Thyroid cancer, nonmedullary, 1. Review status: no classification provided. Collection method: in vitro. Allele origin: not applicable. Functional consequence: cryptic splice site, retained intron. Not counted in ClinVar's aggregate classification.

Dr. Peter K. Rogan Lab, Western University
No classification provided (evidence only). Condition: Thyroid cancer, nonmedullary, 1. Review status: no classification provided. Collection method: in vitro. Allele origin: not applicable. Functional consequence: retained intron. Not counted in ClinVar's aggregate classification.

Dr. Peter K. Rogan Lab, Western University
No classification provided (evidence only). Condition: Thyroid cancer, nonmedullary, 1. Review status: no classification provided. Collection method: in vitro. Allele origin: not applicable. Functional consequence: retained intron. Not counted in ClinVar's aggregate classification.

Dr. Peter K. Rogan Lab, Western University
No classification provided (evidence only). Condition: Thyroid cancer, nonmedullary, 1. Review status: no classification provided. Collection method: in vitro. Allele origin: not applicable. Functional consequence: retained intron. Not counted in ClinVar's aggregate classification.

Dr. Peter K. Rogan Lab, Western University
No classification provided (evidence only). Condition: Thyroid cancer, nonmedullary, 1. Review status: no classification provided. Collection method: in vitro. Allele origin: not applicable. Functional consequence: cryptic splice site, retained intron. Not counted in ClinVar's aggregate classification.

Dr. Peter K. Rogan Lab, Western University
No classification provided (evidence only). Condition: Thyroid cancer, nonmedullary, 1. Review status: no classification provided. Collection method: in vitro. Allele origin: not applicable. Functional consequence: retained intron. Not counted in ClinVar's aggregate classification.

Dr. Peter K. Rogan Lab, Western University
No classification provided (evidence only). Condition: Uterine corpus endometrial carcinoma. Review status: no classification provided. Collection method: in vitro. Allele origin: not applicable. Functional consequence: retained intron. Not counted in ClinVar's aggregate classification.

Dr. Peter K. Rogan Lab, Western University
No classification provided (evidence only). Condition: Cervical cancer. Review status: no classification provided. Collection method: in vitro. Allele origin: not applicable. Functional consequence: retained intron. Not counted in ClinVar's aggregate classification.

Dr. Peter K. Rogan Lab, Western University
No classification provided (evidence only). Condition: Cervical cancer. Review status: no classification provided. Collection method: in vitro. Allele origin: not applicable. Functional consequence: retained intron. Not counted in ClinVar's aggregate classification.

Dr. Peter K. Rogan Lab, Western University
No classification provided (evidence only). Condition: Cervical cancer. Review status: no classification provided. Collection method: in vitro. Allele origin: not applicable. Functional consequence: retained intron. Not counted in ClinVar's aggregate classification.

Dr. Peter K. Rogan Lab, Western University
No classification provided (evidence only). Condition: Cervical cancer. Review status: no classification provided. Collection method: in vitro. Allele origin: not applicable. Functional consequence: retained intron. Not counted in ClinVar's aggregate classification.